The following is an entry in ClinVar:

NM_018127.7(ELAC2):c.871-3C>T

Gene: ELAC2 (elaC ribonuclease Z 2; minus strand). Cytogenetic location: 17p12.
Variant type: single nucleotide variant.
Coding change: c.871-3C>T on transcript NM_018127.7 (MANE Select); 3 bases into the intron before coding-DNA position 871, C replaced by T.
Molecular consequence: intron variant.
Genome position (GRCh38, 1-based): chr17:13,005,104, G>A on the plus strand (C>T on the coding strand, the complement: ELAC2 is on the minus strand). VCF-style: chr17-13005104-G-A. GRCh37 (hg19) VCF-style: chr17-12908421-G-A.
Other names: c.751-3C>T (NM_001165962.2); c.871-3C>T (NM_173717.2).
Identifiers: ClinVar variation 4804595 (VCV004804595.1).

ClinVar aggregate classification (germline): Uncertain significance (1 of 4 stars; one submission).

Conditions:
Combined oxidative phosphorylation defect type 17. Also called: Combined oxidative phosphorylation deficiency 17. Identifiers: Orphanet 369913, MedGen C3809526, MONDO:0014190, OMIM 615440.

Submission:

Labcorp Genetics (formerly Invitae), Labcorp
Classification: Uncertain significance for Combined oxidative phosphorylation defect type 17. Last evaluated: 2025-11-16. Review status: criteria provided, single submitter. Criteria: Invitae Variant Classification Sherloc (09022015). Collection method: clinical testing. Allele origin: germline.
Comment: This sequence change falls in intron 10 of the ELAC2 gene. It does not directly change the encoded amino acid sequence of the ELAC2 protein. It affects a nucleotide within the consensus splice site. This variant is not present in population databases (gnomAD no frequency). This variant has not been reported in the literature in individuals affected with ELAC2-related conditions. Variants that disrupt the consensus splice site are a relatively common cause of aberrant splicing (PMID: 17576681, 9536098). Algorithms developed to predict the effect of sequence changes on RNA splicing suggest that this variant may disrupt the consensus splice site. In summary, the available evidence is currently insufficient to determine the role of this variant in disease. Therefore, it has been classified as a Variant of Uncertain Significance.

Literature cited by the submitters: PubMed 17576681; PubMed 9536098.